The following is an entry in ClinVar:

ClinVar aggregate classification (germline): Uncertain significance (1 of 4 stars; one submission).

gnomAD v4.1: 1 of 1,548,944 alleles (0.000065%); highest among the groups gnomAD compares: African/African-American, 0.0014%; no homozygotes.

Submission:

GeneDx
Classification: Uncertain significance. Last evaluated: 2025-01-08. Review status: criteria provided, single submitter. Criteria: GeneDx Variant Classification Process June 2021. Collection method: clinical testing. Allele origin: germline. Affected: yes.
Comment: Not observed at significant frequency in large population cohorts (gnomAD); In silico analysis supports that this missense variant has a deleterious effect on protein structure/function; Has not been previously published as pathogenic or benign to our knowledge

NM_014159.7(SETD2):c.880G>A (p.Asp294Asn)

Gene: SETD2 (SET domain containing 2, histone lysine methyltransferase; minus strand). Cytogenetic location: 3p21.31.
Variant type: single nucleotide variant.
Coding change: c.880G>A on transcript NM_014159.7 (MANE Select); coding-DNA position 880, G replaced by A.
Protein change: p.Asp294Asn; replaces aspartic acid 294 with asparagine.
Molecular consequence: missense variant. On other transcripts: non-coding transcript variant (1).
Genome position (GRCh38, 1-based): chr3:47,123,756, C>T on the plus strand (G>A on the coding strand, the complement: SETD2 is on the minus strand). VCF-style: chr3-47123756-C-T. GRCh37 (hg19) VCF-style: chr3-47165246-C-T.
Other names: c.748G>A, p.Asp250Asn (NM_001349370.3); short protein forms D250N, D294N.
Identifiers: ClinVar variation 4056963 (VCV004056963.1).
Genomic context (GRCh38, chr3:47,123,756, plus strand): 5'-ATTGTGAGGATTTCTTCTTAGAACCTGTTTTTTTACAGCTCAGACTAATCTTAGAACTAT[C>T]TGGAATTTCTTCATCCTTCCCAATATGGGAATCTTCTTTTTTTGAGGAAATATCTGCTTG-3'
Protein context (NP_054878.5, residues 284-304): SHIGKDEEIP[Asp294Asn]SSKISLSCKK